The following is an entry in ClinVar:

NM_001267550.2(TTN):c.51579G>C (p.Arg17193Ser)

Genes: TTN-AS1 (TTN antisense RNA 1; plus strand), TTN (titin; minus strand). Cytogenetic location: 2q31.2.
Variant type: single nucleotide variant.
Coding change: c.51579G>C on transcript NM_001267550.2 (MANE Select); coding-DNA position 51579, G replaced by C.
Protein change: p.Arg17193Ser; replaces arginine 17193 with serine.
Molecular consequence: missense variant.
Genome position (GRCh38, 1-based): chr2:178,609,844, C>G on the plus strand (G>C on the coding strand, the complement: TTN is on the minus strand). VCF-style: chr2-178609844-C-G. GRCh37 (hg19) VCF-style: chr2-179474571-C-G.
Other names: p.R15552S:AGG>AGC; p.Arg14625Ser; c.46656G>C, p.Arg15552Ser (NM_001256850.1); c.24384G>C, p.Arg8128Ser (NM_003319.4); c.43875G>C, p.Arg14625Ser (NM_133378.4); c.24759G>C, p.Arg8253Ser (NM_133432.3); c.24960G>C, p.Arg8320Ser (NM_133437.4); short protein forms R15552S, R17193S, R8128S, R8320S, R14625S, R8253S.
Identifiers: ClinVar variation 202694 (VCV000202694.7), dbSNP rs759285989, ClinGen allele CA310004.

ClinVar aggregate classification (germline): Uncertain significance. Review status: criteria provided, multiple submitters, no conflicts (2 of 4 stars). 5 submissions from 5 submitters: Uncertain significance (5). Last evaluated 2026-04-27.

Conditions:
TTN-related disorder. Also called: TTN-related condition; TTN-related disease; TTN-related disorders.
Cardiovascular phenotype. Identifiers: MedGen CN230736.
Early-onset myopathy with fatal cardiomyopathy (CMYO5). Also called: Salih Myopathy; CONGENITAL MYOPATHY 5 WITH CARDIOMYOPATHY. Identifiers: Orphanet 289377, MedGen C2673677, MONDO:0012714, OMIM 611705. Disease mechanism: loss of function.
Dilated cardiomyopathy 1G (CMD1G). Identifiers: Orphanet 154, MedGen C1858763, MONDO:0011400, OMIM 604145.
Autosomal recessive limb-girdle muscular dystrophy type 2J (LGMDR10). Also called: Limb-girdle muscular dystrophy, type 2J; MUSCULAR DYSTROPHY, LIMB-GIRDLE, AUTOSOMAL RECESSIVE 10. Identifiers: Orphanet 140922, MedGen C1837342, MONDO:0012127, OMIM 608807.
Tibial muscular dystrophy (TMD). Also called: Tibial muscular dystrophy, tardive; Udd Distal Myopathy – Tibial Muscular Dystrophy; UDD MYOPATHY. Identifiers: Orphanet 609, MedGen C1838244, MONDO:0010870, OMIM 600334.
Myopathy, myofibrillar, 9, with early respiratory failure (MFM9). Also called: Myopathy, distal, with early respiratory failure, autosomal dominant; MYOPATHY, PROXIMAL, WITH EARLY RESPIRATORY MUSCLE INVOLVEMENT; Hereditary myopathy with early respiratory failure; EDSTROM MYOPATHY. Identifiers: Orphanet 178464, Orphanet 34521, MedGen C1863599, MONDO:0011362, OMIM 603689.
Hypertrophic cardiomyopathy 9. Also called: Familial hypertrophic cardiomyopathy 9. Identifiers: MedGen C1861065, MONDO:0013412, OMIM 613765.

Allele frequency attached by ClinVar (database versions not stated): TOPMed below 0.00001; gnomAD 0.00001; gnomAD exomes 0.00001 and 0.00002; ExAC 0.00003.
gnomAD v4.1: 16 of 1,612,862 alleles (0.00099%); highest among the groups gnomAD compares: Middle Eastern, 0.033%; no homozygotes.

Submissions (5):

PreventionGenetics, part of Exact Sciences
Classification: Uncertain significance for TTN-related condition. Last evaluated: 2026-04-27. Review status: criteria provided, single submitter. Criteria: ACMG Guidelines, 2015. Collection method: clinical testing. Allele origin: germline.
Comment: The TTN c.51579G>C variant is predicted to result in the amino acid substitution p.Arg17193Ser. To our knowledge, this variant has not been reported in the literature. This variant is reported in 0.0036% of alleles in individuals of European (Non-Finnish) descent in gnomAD. At this time, the clinical significance of this variant is uncertain due to the absence of conclusive functional and genetic evidence.

Mayo Clinic Laboratories, Mayo Clinic
Classification: Uncertain significance. Last evaluated: 2024-06-14. Review status: criteria provided, single submitter. Criteria: ACMG Guidelines, 2015. Collection method: clinical testing. Allele origin: germline. Observed: 1 variant allele.
Comment: BP4, PM2

Fulgent Genetics
Classification: Uncertain significance for Tibial muscular dystrophy; Myopathy, myofibrillar, 9, with early respiratory failure; Dilated cardiomyopathy 1G; Autosomal recessive limb-girdle muscular dystrophy type 2J; Early-onset myopathy with fatal cardiomyopathy; Hypertrophic cardiomyopathy 9. Last evaluated: 2021-08-16. Review status: criteria provided, single submitter. Criteria: ACMG Guidelines, 2015. Collection method: clinical testing. Allele origin: unknown.

Ambry Genetics
Classification: Uncertain significance for Cardiovascular phenotype. Last evaluated: 2019-10-14. Review status: criteria provided, single submitter. Criteria: Ambry Variant Classification Scheme 2023. Collection method: clinical testing. Allele origin: germline.
Comment: The p.R8128S variant (also known as c.24384G>C), located in coding exon 99 of the TTN gene, results from a G to C substitution at nucleotide position 24384. The arginine at codon 8128 is replaced by serine, an amino acid with dissimilar properties. This amino acid position is not well conserved in available vertebrate species. In addition, this alteration is predicted to be tolerated by in silico analysis. Since supporting evidence is limited at this time, the clinical significance of this alteration remains unclear.

GeneDx
Classification: Uncertain significance. Last evaluated: 2014-08-05. Review status: criteria provided, single submitter. Criteria: GeneDx Variant Classification (06012015). Collection method: clinical testing. Allele origin: germline. Affected: yes.
Comment: Missense variants in the TTN gene are considered 'unclassified' if they are not previously reported in the literature and do not have >1% frequency in the population to be considered a polymorphism. Research indicates that truncating mutations in the TTN gene are expected to account for approximately 25% of familial and 18% of sporadic idiopathic DCM; however, truncating variants in the TTN gene have been reported in approximately 3% of reported control alleles. There has been little investigation into non-truncating variants. (Herman D et al. Truncations of titin causing dilated cardiomyopathy. N Eng J Med 366:619-628, 2012) The variant is found in DCM-CRDM panel(s).